The following is an entry in ClinVar:

ClinVar aggregate classification (germline): Pathogenic/Likely pathogenic. Review status: criteria provided, multiple submitters, no conflicts (2 of 4 stars). 15 submissions from 15 submitters: Pathogenic (13); Likely pathogenic (1). 1 of the submissions does not count toward it. Last evaluated 2026-09-17.

Conditions:
USH2A-related disorder. Also called: USH2A-related condition; USH2A-related disorders. Identifiers: MedGen CN239332.
Retinitis pigmentosa 39 (RP39). Identifiers: Orphanet 791, MedGen C3151138, MONDO:0013436, OMIM 613809.
Usher syndrome type 2A. Also called: RETINAL DISEASE IN USHER SYNDROME TYPE IIA, MODIFIER OF; USHER SYNDROME, TYPE IIA. Identifiers: Orphanet 231178, Orphanet 886, MedGen C1848634, MONDO:0010169, OMIM 276901.
Usher syndrome. Also called: Usher Syndromes; Usher's syndrome. Identifiers: Orphanet 886, MedGen CN469326, MeSH D052245, MONDO:0019501. Disease mechanism: loss of function.
Retinal disorder. Also called: Retinopathy; Retinopathies; Retinal Diseases; Retinal disorders. Identifiers: MedGen C0035309, MONDO:0005283, HP:0000488.

Allele frequency attached by ClinVar (database versions not stated): ExAC 0.00001; gnomAD 0.00001; gnomAD exomes 0.00001; TOPMed 0.00001.
gnomAD v4.1: 7 of 1,611,032 alleles (0.00043%); highest among the groups gnomAD compares: Admixed American, 0.0017%; no homozygotes.

Submissions (15):

PreventionGenetics, part of Exact Sciences
Classification: Pathogenic for USH2A-related condition. Last evaluated: 2026-09-17. Review status: criteria provided, single submitter. Criteria: ACMG Guidelines, 2015. Collection method: clinical testing. Allele origin: germline.
Comment: The USH2A c.11389+3A>T variant is predicted to interfere with splicing. This variant has been reported in both the homozygous state and compound heterozygous state in multiple individuals with Usher syndrome or non-syndromic retinitis pigmentosa (see for example: Soens et al. 2017. PubMed ID: 28714225; Bahena et al. 2021. PubMed ID: 34148116; Moon et al. 2021. PubMed ID: 35052368; Xing et al. 2022. PubMed ID: 35870892; Miyanohara et al. 2024. PubMed ID: 38790200; Ogorodova et al. 2024. PubMed ID: 39596236). A minigene assay demonstrates expression of this variant results in the creation of a cryptic splice site and results in aberrant splicing (Soens et al. 2017. PubMed ID: 28714225). This variant is reported in 0.0054% of alleles in individuals of East Asian descent in gnomAD, and it is classified as pathogenic/likely pathogenic in the ClinVar database (Variation ID: 427867). This variant is interpreted as pathogenic.

Natera, Inc.
Classification: Pathogenic for Usher syndrome type 2A. Last evaluated: 2025-12-31. Review status: criteria provided, single submitter. Criteria: Natera Variant Classification Schema (03/2026). Collection method: clinical testing. Allele origin: germline.
Comment: The c.11389+3A>T variant in USH2A is an intronic variant located outside the canonical splice sites. This variant is rare in the general population with a frequency below the threshold expected for the associated phenotype(s). This variant has been observed in one or more individuals affected with the associated recessive disease, as either homozygous or compound heterozygous with a second variant (PMID: 28714225). Functional studies show that this variant may disrupt protein function (PMID: 28714225). Given the available evidence, this variant is classified as Pathogenic.

Genetics Laboratory, Great Ormond Street Hospital NHS Foundation Trust, North Thames Genomic Laboratory Hub
Classification: Pathogenic for Retinal disorders. Last evaluated: 2025-10-31. Review status: criteria provided, single submitter. Criteria: ACGS Best Practice Guidelines for Variant Classification in Rare Disease 2024 v1.2. Collection method: clinical testing. Allele origin: germline. Affected: yes.
Comment: PM2_moderate, PP3_supporting, PS1_moderate, PS3_supporting, PM3_strong

Women's Health and Genetics/Laboratory Corporation of America, LabCorp
Classification: Pathogenic for Usher syndrome. Last evaluated: 2025-10-01. Review status: criteria provided, single submitter. Criteria: LabCorp Variant Classification Summary - May 2015. Collection method: clinical testing. Allele origin: germline.
Comment: Variant summary: USH2A c.11389+3A>T alters a conserved nucleotide located close to a canonical splice site and therefore could affect mRNA splicing, leading to a significantly altered protein sequence. Several computational tools predict a significant impact on normal splicing: Three predict the variant weakens a 5' donor site. At least one publication reports experimental evidence using minigene assay showing that this variant results in an altered splicing product (e.g. Soens_2017). The variant allele was found at a frequency of 8e-06 in 250762 control chromosomes. c.11389+3A>T has been observed in individuals affected with Usher Syndrome or an inherited retinal disease, including as a compound heterozygous genotype (e.g. Moon_2021, Ogorodova_2024, Soens_2017, Internal data). These data indicate that the variant is likely to be associated with disease. The following publications have been ascertained in the context of this evaluation (PMID: 35052368, 39596236, 28714225). ClinVar contains an entry for this variant (Variation ID: 427867). Based on the evidence outlined above, the variant was classified as pathogenic.

Labcorp Genetics (formerly Invitae), Labcorp
Classification: Pathogenic. Last evaluated: 2025-07-29. Review status: criteria provided, single submitter. Criteria: Invitae Variant Classification Sherloc (09022015). Collection method: clinical testing. Allele origin: germline.
Comment: This sequence change falls in intron 58 of the USH2A gene. It does not directly change the encoded amino acid sequence of the USH2A protein. It affects a nucleotide within the consensus splice site. This variant is present in population databases (rs753886165, gnomAD 0.006%). This variant has been observed in individual(s) with Usher syndrome (PMID: 28714225; internal data). In at least one individual the data is consistent with being in trans (on the opposite chromosome) from a pathogenic variant. ClinVar contains an entry for this variant (Variation ID: 427867). Variants that disrupt the consensus splice site are a relatively common cause of aberrant splicing (PMID: 17576681, 9536098). Algorithms developed to predict the effect of sequence changes on RNA splicing suggest that this variant may disrupt the consensus splice site. For these reasons, this variant has been classified as Pathogenic.

Revvity Omics, Revvity
Classification: Pathogenic. Last evaluated: 2025-05-23. Review status: criteria provided, single submitter. Criteria: ACMG Guidelines, 2015. Collection method: clinical testing. Allele origin: germline.

GeneDx
Classification: Pathogenic. Last evaluated: 2025-02-06. Review status: criteria provided, single submitter. Criteria: GeneDx Variant Classification Process June 2021. Collection method: clinical testing. Allele origin: germline. Affected: yes.
Comment: RNA studies demonstrate a damaging effect resulting in protein truncation and the skipping of exon 58 (PMID: 28714225); Not observed at a significant frequency in large population cohorts (gnomAD); In silico analysis supports a deleterious effect on splicing; This variant is associated with the following publications: (PMID: 31045651, 31047384, 32093671, 33608557, 36110214, 34519870, 34906470, 32467589, 28714225, 35052368, 34148116, 35870892, 36819107, Li2022[paper], 38790200)

3billion
Classification: Pathogenic for Retinitis pigmentosa 39. Last evaluated: 2024-12-12. Review status: criteria provided, single submitter. Criteria: ACMG Guidelines, 2015. Collection method: clinical testing. Allele origin: germline. Affected: yes.
Comment: The variant is observed at an extremely low frequency in the gnomAD v4.1.0 dataset (total allele frequency: <0.001%). Predicted Consequence/Location: Intron variant In silico tools predict the variant to alter splicing and produce an abnormal transcript [SpliceAI: 0.90 (>=0.2, moderate evidence for spliceogenicity)]. The variant has been reported to be in trans with a pathogenic variant as either compound heterozygous or homozygous in at least 2 similarly affected unrelated individuals (PMID: 28714225, 31045651, 31047384). The variant has been reported at least twice as pathogenic with clinical assertions and evidence for the classification (ClinVar ID: VCV000427867 /PMID: 28714225 /3billion dataset). Therefore, this variant is classified as Pathogenic according to the recommendation of ACMG/AMP guideline.

Fulgent Genetics
Classification: Pathogenic for Usher syndrome type 2A; Retinitis pigmentosa 39. Last evaluated: 2024-02-10. Review status: criteria provided, single submitter. Criteria: ACMG Guidelines, 2015. Collection method: clinical testing. Allele origin: germline.

Baylor Genetics
Classification: Pathogenic for Retinitis pigmentosa 39. Last evaluated: 2023-11-16. Review status: criteria provided, single submitter. Criteria: ACMG Guidelines, 2015. Collection method: clinical testing. Allele origin: unknown.

Genome-Nilou Lab
Classification: Likely pathogenic for Retinitis pigmentosa 39. Last evaluated: 2023-04-11. Review status: criteria provided, single submitter. Criteria: ACMG Guidelines, 2015. Collection method: clinical testing. Allele origin: germline. Affected: no.

Blueprint Genetics
Classification: Pathogenic for USH2A-related disorders. Last evaluated: 2021-10-15. Review status: criteria provided, single submitter. Criteria: ACMG Guidelines, 2015. Collection method: clinical testing. Allele origin: germline. Affected: yes. Observed: 4 variant alleles.

Ocular Genomics Institute, Massachusetts Eye and Ear
Classification: Pathogenic for Retinitis pigmentosa 39. Last evaluated: 2021-04-08. Review status: criteria provided, single submitter. Criteria: ACMG Guidelines, 2015. Collection method: research. Allele origin: germline. Affected: yes.
Comment: Through a review of available evidence we were able to apply the following criteria: PM2, PP3, PP1, PVS1. Based on this evidence we have classified this variant as Pathogenic.

Juno Genomics, Hangzhou Juno Genomics, Inc
Classification: Pathogenic for Retinitis pigmentosa 39; Usher syndrome type 2A. Review status: criteria provided, single submitter. Criteria: ACMG Guidelines, 2015. Collection method: clinical testing. Allele origin: germline.
Comment: Absent from controls (or at extremely low frequency if recessive) in Genome Aggregation Database.;For recessive disorders, detected in trans with a pathogenic variant.;Patient's phenotype or family history is highly specific for a disease with a single genetic etiology.;Multiple lines of computational evidence support a deleterious effect on the gene or gene product.

Rui Chen Lab, Baylor College of Medicine
Classification: Pathogenic for Usher syndrome type 2A. Last evaluated: 2017-05-09. Review status: no assertion criteria provided. Collection method: research. Allele origin: germline. Affected: yes. Not counted in ClinVar's aggregate classification.
Comment: An in vitrominigene system was used to confirm that the variant disrupts splicing

Literature cited by the submitters: PubMed 28714225 (cited by 4 submitters); PubMed 35052368 (cited by Women's Health and Genetics/Laboratory Corporation of America, LabCorp); PubMed 39596236 (cited by Women's Health and Genetics/Laboratory Corporation of America, LabCorp); PubMed 17576681 (cited by Labcorp Genetics (formerly Invitae), Labcorp); PubMed 9536098 (cited by Labcorp Genetics (formerly Invitae), Labcorp); PubMed 31047384 (cited by 3billion); PubMed 31045651 (cited by 3billion); PubMed 32093671 (cited by Ocular Genomics Institute, Massachusetts Eye and Ear).

NM_206933.4(USH2A):c.11389+3A>T

Gene: USH2A (usherin; minus strand). Cytogenetic location: 1q41.
Variant type: single nucleotide variant.
Coding change: c.11389+3A>T on transcript NM_206933.4 (MANE Select); 3 bases into the intron after coding-DNA position 11389, A replaced by T.
Molecular consequence: intron variant.
Genome position (GRCh38, 1-based): chr1:215,758,592, T>A on the plus strand (A>T on the coding strand, the complement: USH2A is on the minus strand). VCF-style: chr1-215758592-T-A. GRCh37 (hg19) VCF-style: chr1-215931934-T-A.
Other names: c.11389+3A>T (NM_206933.3).
Identifiers: ClinVar variation 427867 (VCV000427867.25), dbSNP rs753886165, ClinGen allele CA1393757.